The following is an entry in ClinVar:

ClinVar aggregate classification (germline): Uncertain significance (1 of 4 stars; one submission).

Conditions:
Growth delay due to insulin-like growth factor I resistance. Also called: Somatomedin end-organ insensitivity to; Somatomedin-c resistance to; IGF-1 resistance; IGF-I RESISTANCE; Insulin-Like Growth Factor I Resistance. Identifiers: Orphanet 73273, MedGen C1849157, MONDO:0010038, OMIM 270450.

Submission:

Juno Genomics, Hangzhou Juno Genomics, Inc
Classification: Uncertain significance for Growth delay due to insulin-like growth factor I resistance. Review status: criteria provided, single submitter. Criteria: ACMG Guidelines, 2015. Collection method: clinical testing. Allele origin: germline.
Comment: Absent from controls (or at extremely low frequency if recessive) in Genome Aggregation Database.;Missense variant in a gene that has a low rate of benign missense variation.;Multiple lines of computational evidence support a deleterious effect on the gene or gene product.

NM_000875.5(IGF1R):c.545G>A (p.Cys182Tyr)

Gene: IGF1R (insulin like growth factor 1 receptor; plus strand). Cytogenetic location: 15q26.3.
Variant type: single nucleotide variant.
Coding change: c.545G>A on transcript NM_000875.5 (MANE Select); coding-DNA position 545, G replaced by A.
Protein change: p.Cys182Tyr; replaces cysteine 182 with tyrosine.
Molecular consequence: missense variant.
Genome position (GRCh38, 1-based): chr15:98,708,012, G>A. VCF-style: chr15-98708012-G-A. GRCh37 (hg19) VCF-style: chr15-99251241-G-A.
Other names: c.545G>A, p.Cys182Tyr (NM_001291858.2); short protein forms C182Y.
Identifiers: ClinVar variation 5005493 (VCV005005493.2).